The following is an entry in ClinVar:

NM_001035.3(RYR2):c.1727A>G (p.His576Arg)

Gene: RYR2 (ryanodine receptor 2; plus strand). Cytogenetic location: 1q43.
Variant type: single nucleotide variant.
Coding change: c.1727A>G on transcript NM_001035.3 (MANE Select); coding-DNA position 1727, A replaced by G.
Protein change: p.His576Arg; replaces histidine 576 with arginine.
Molecular consequence: missense variant.
Genome position (GRCh38, 1-based): chr1:237,491,824, A>G. VCF-style: chr1-237491824-A-G. GRCh37 (hg19) VCF-style: chr1-237655124-A-G.
Other names: p.H576R:CAC>CGC; c.1727A>G, p.His576Arg (LRG_402t1); short protein forms H576R.
Identifiers: ClinVar variation 201376 (VCV000201376.10), dbSNP rs794728818, ClinGen allele CA008558.

ClinVar aggregate classification (germline): Uncertain significance. Review status: criteria provided, multiple submitters, no conflicts (2 of 4 stars). 2 submissions from 2 submitters: Uncertain significance (2). Last evaluated 2021-08-19.

Conditions:
Catecholaminergic polymorphic ventricular tachycardia 1. Also called: RYR2-Related Catecholaminergic Polymorphic Ventricular Tachycardia; VENTRICULAR TACHYCARDIA, CATECHOLAMINERGIC POLYMORPHIC, 1, WITH OR WITHOUT ATRIAL DYSFUNCTION AND/OR DILATED CARDIOMYOPATHY; VENTRICULAR TACHYCARDIA, STRESS-INDUCED POLYMORPHIC 1. Identifiers: Orphanet 3286, MedGen C1631597, MONDO:0011484, OMIM 604772.

Allele frequency attached by ClinVar (database versions not stated): gnomAD exomes below 0.00001.
gnomAD v4.1: 1 of 1,454,872 alleles (0.000069%); highest among the groups gnomAD compares: Non-Finnish European, 0.000095%; no homozygotes.

Submissions (2):

Labcorp Genetics (formerly Invitae), Labcorp
Classification: Uncertain significance for Catecholaminergic polymorphic ventricular tachycardia 1. Last evaluated: 2021-08-19. Review status: criteria provided, single submitter. Criteria: Invitae Variant Classification Sherloc (09022015). Collection method: clinical testing. Allele origin: germline.
Comment: In summary, the available evidence is currently insufficient to determine the role of this variant in disease. Therefore, it has been classified as a Variant of Uncertain Significance. Advanced modeling of protein sequence and biophysical properties (such as structural, functional, and spatial information, amino acid conservation, physicochemical variation, residue mobility, and thermodynamic stability) performed at Invitae indicates that this missense variant is expected to disrupt RYR2 protein function. ClinVar contains an entry for this variant (Variation ID: 201376). This variant has not been reported in the literature in individuals affected with RYR2-related conditions. This variant is not present in population databases (ExAC no frequency). This sequence change replaces histidine with arginine at codon 576 of the RYR2 protein (p.His576Arg). The histidine residue is highly conserved and there is a small physicochemical difference between histidine and arginine.

GeneDx
Classification: Uncertain significance. Last evaluated: 2019-05-30. Review status: criteria provided, single submitter. Criteria: GeneDx Variant Classification Process June 2021. Collection method: clinical testing. Allele origin: germline. Affected: yes.
Comment: Not observed in large population cohorts (Lek et al., 2016); In silico analysis, which includes protein predictors and evolutionary conservation, supports a deleterious effect; Has not been previously published as pathogenic or benign to our knowledge